The following is an entry in ClinVar:

NM_001135649.3(FOXI3):c.234_236dup (p.Pro85_Gly86insPro)

Gene: FOXI3 (forkhead box I3; minus strand). Cytogenetic location: 2p11.2.
Variant type: Duplication.
Coding change: c.234_236dup on transcript NM_001135649.3 (MANE Select); coding-DNA positions 234 to 236, 3 bases duplicated (TCC; older notation c.234_236dupTCC).
Protein change: p.Pro85_Gly86insPro.
Molecular consequence: inframe insertion.
Genome position (GRCh38, 1-based): chr2:88,452,300-88,452,302, GGA duplicated on the plus strand (TCC on the coding strand, the reverse complement: FOXI3 is on the minus strand); duplicating any 3 consecutive bases within chr2:88,452,300-88,452,303 gives the same sequence; the c. name uses the placement nearest the transcript's 3' end. VCF-style (leftmost placement, unchanged base first): chr2-88452299-C-CGGA. GRCh37 (hg19) VCF-style: chr2-88751817-C-CGGA.
Identifiers: ClinVar variation 4718076 (VCV004718076.1).

ClinVar aggregate classification (germline): Uncertain significance (1 of 4 stars; one submission).

Submission:

Labcorp Genetics (formerly Invitae), Labcorp
Classification: Uncertain significance. Last evaluated: 2025-04-21. Review status: criteria provided, single submitter. Criteria: Invitae Variant Classification Sherloc (09022015). Collection method: clinical testing. Allele origin: germline.
Comment: This variant, c.234_236dup, results in the insertion of 1 amino acid(s) of the FOXI3 protein (p.Pro85dup), but otherwise preserves the integrity of the reading frame. The frequency data for this variant in the population databases is considered unreliable, as metrics indicate insufficient coverage at this position in the gnomAD database. This variant has not been reported in the literature in individuals affected with FOXI3-related conditions. In summary, the available evidence is currently insufficient to determine the role of this variant in disease. Therefore, it has been classified as a Variant of Uncertain Significance.